The following is an entry in ClinVar:

NM_003859.3(DPM1):c.685A>G (p.Ile229Val)

Genes: DPM1 (dolichyl-phosphate mannosyltransferase subunit 1, catalytic; minus strand), ADNP-AS1 (ADNP antisense RNA 1; plus strand). Cytogenetic location: 20q13.13.
Variant type: single nucleotide variant.
Coding change: c.685A>G on transcript NM_003859.3 (MANE Select); coding-DNA position 685, A replaced by G.
Protein change: p.Ile229Val; replaces isoleucine 229 with valine.
Molecular consequence: missense variant. On other transcripts: non-coding transcript variant (1).
Genome position (GRCh38, 1-based): chr20:50,935,230, T>C on the plus strand (A>G on the coding strand, the complement: DPM1 is on the minus strand). VCF-style: chr20-50935230-T-C. GRCh37 (hg19) VCF-style: chr20-49551767-T-C.
Other names: c.790A>G, p.Ile264Val (NM_001317034.1); c.766A>G, p.Ile256Val (NM_001317035.1); c.616A>G, p.Ile206Val (NM_001317036.1); short protein forms I229V, I206V, I264V, I256V.
Identifiers: ClinVar variation 565495 (VCV000565495.10), dbSNP rs559946698, ClinGen allele CA9908998.
Genomic context (GRCh38, chr20:50,935,230, plus strand): 5'-AAGATACTATTTCATTTCCTCCCAACTTGGATTCACCATAAACACGATCCACAAATGATA[T>C]TGGAACCTAGTTTAAAAAAAAAAAAGTAACGTTAGTCTTTAAAAACAATTAGGCAGCTTA-3'
Protein context (NP_003850.1, residues 219-239): QLNYTIGEVP[Ile229Val]SFVDRVYGES

ClinVar aggregate classification (germline): Uncertain significance. Review status: criteria provided, multiple submitters, no conflicts (2 of 4 stars). 4 submissions from 4 submitters: Uncertain significance (4). Last evaluated 2023-03-20.

Conditions:
Congenital disorder of glycosylation type 1E (CDG1E). Also called: CONGENITAL DISORDER OF GLYCOSYLATION, TYPE Ie; CDG Ie. Identifiers: Orphanet 79322, MedGen C1837396, MONDO:0012123, OMIM 608799.

Allele frequency attached by ClinVar (database versions not stated): gnomAD exomes 0.00005 and 0.00012; gnomAD 0.00007; ExAC 0.00017; 1000 Genomes Project 0.00020; 1000 Genomes Project 30x 0.00031; TOPMed 0.00073.
gnomAD v4.1: 122 of 1,585,922 alleles (0.0077%); highest among the groups gnomAD compares: Admixed American, 0.11%; no homozygotes.

Submissions (6):

GeneDx
Classification: Uncertain significance. Last evaluated: 2023-03-20. Review status: criteria provided, single submitter. Criteria: GeneDx Variant Classification Process June 2021. Collection method: clinical testing. Allele origin: germline. Affected: yes.
Comment: Reported as a de novo variant in an individual with schizophrenia, but additional clinical information was not included (Fromer et al., 2014); In silico analysis supports that this missense variant does not alter protein structure/function; This variant is associated with the following publications: (PMID: 25420024, 30323833, 34145229, 24463507)

Labcorp Genetics (formerly Invitae), Labcorp
Classification: Uncertain significance for Congenital disorder of glycosylation type 1E. Last evaluated: 2022-10-13. Review status: criteria provided, single submitter. Criteria: Invitae Variant Classification Sherloc (09022015). Collection method: clinical testing. Allele origin: germline.
Comment: This sequence change replaces isoleucine, which is neutral and non-polar, with valine, which is neutral and non-polar, at codon 229 of the DPM1 protein (p.Ile229Val). This variant is present in population databases (rs559946698, gnomAD 0.05%). This variant has not been reported in the literature in individuals affected with DPM1-related conditions. ClinVar contains an entry for this variant (Variation ID: 565495). Algorithms developed to predict the effect of missense changes on protein structure and function (SIFT, PolyPhen-2, Align-GVGD) all suggest that this variant is likely to be tolerated. In summary, the available evidence is currently insufficient to determine the role of this variant in disease. Therefore, it has been classified as a Variant of Uncertain Significance.

Fulgent Genetics
Classification: Uncertain significance for Congenital disorder of glycosylation type 1E. Last evaluated: 2021-08-04. Review status: criteria provided, single submitter. Criteria: ACMG Guidelines, 2015. Collection method: clinical testing. Allele origin: unknown.

Baylor Genetics
Classification: Uncertain significance for Congenital disorder of glycosylation type 1E. Last evaluated: 2019-11-22. Review status: criteria provided, single submitter. Criteria: ACMG Guidelines, 2015. Collection method: clinical testing. Allele origin: unknown. Affected: yes.
Comment: This variant was determined to be of uncertain significance according to ACMG Guidelines, 2015 [PMID:25741868].

Dr. Peter K. Rogan Lab, Western University
No classification provided (evidence only). Condition: Clear cell carcinoma of kidney. Review status: no classification provided. Collection method: in vitro. Allele origin: not applicable. Functional consequence: retained intron. Not counted in ClinVar's aggregate classification.

Dr. Peter K. Rogan Lab, Western University
No classification provided (evidence only). Condition: Melanoma. Review status: no classification provided. Collection method: in vitro. Allele origin: not applicable. Functional consequence: retained intron. Not counted in ClinVar's aggregate classification.